The following is an entry in ClinVar:

ClinVar aggregate classification (germline): Conflicting classifications of pathogenicity. Review status: criteria provided, conflicting classifications (1 of 4 stars). 3 submissions from 3 submitters: Uncertain significance (2); Likely benign (1). Last evaluated 2025-01-09.

Conditions:
Inborn genetic diseases. Identifiers: MedGen C0950123, MeSH D030342.

Allele frequency attached by ClinVar (database versions not stated): gnomAD exomes 0.00002 and 0.00004; ExAC 0.00006; gnomAD 0.00019 and 0.00020; 1000 Genomes Project 0.00020; ESP Exome Variant Server 0.00023; TOPMed 0.00027; 1000 Genomes Project 30x 0.00031.
gnomAD v4.1: 56 of 1,613,390 alleles (0.0035%); highest among the groups gnomAD compares: African/African-American, 0.067%; no homozygotes.

Submissions (3):

GeneDx
Classification: Uncertain significance. Last evaluated: 2025-01-09. Review status: criteria provided, single submitter. Criteria: GeneDx Variant Classification Process June 2021. Collection method: clinical testing. Allele origin: germline. Affected: yes.
Comment: In silico analysis indicates that this missense variant does not alter protein structure/function; Has not been previously published as pathogenic or benign to our knowledge

Ambry Genetics
Classification: Likely benign for Inborn genetic diseases. Last evaluated: 2023-10-03. Review status: criteria provided, single submitter. Criteria: Ambry Variant Classification Scheme 2023. Collection method: clinical testing. Allele origin: germline.

Labcorp Genetics (formerly Invitae), Labcorp
Classification: Uncertain significance. Last evaluated: 2022-10-13. Review status: criteria provided, single submitter. Criteria: Invitae Variant Classification Sherloc (09022015). Collection method: clinical testing. Allele origin: germline.
Comment: This sequence change replaces glutamine, which is neutral and polar, with arginine, which is basic and polar, at codon 1558 of the LAMC3 protein (p.Gln1558Arg). This variant is present in population databases (rs139905505, gnomAD 0.06%). This variant has not been reported in the literature in individuals affected with LAMC3-related conditions. ClinVar contains an entry for this variant (Variation ID: 1360247). Algorithms developed to predict the effect of missense changes on protein structure and function output the following: SIFT: "Tolerated"; PolyPhen-2: "Benign"; Align-GVGD: "Class C0". The arginine amino acid residue is found in multiple mammalian species, which suggests that this missense change does not adversely affect protein function. In summary, the available evidence is currently insufficient to determine the role of this variant in disease. Therefore, it has been classified as a Variant of Uncertain Significance.

NM_006059.4(LAMC3):c.4673A>G (p.Gln1558Arg)

Gene: LAMC3 (laminin subunit gamma 3; plus strand). Cytogenetic location: 9q34.12.
Variant type: single nucleotide variant.
Coding change: c.4673A>G on transcript NM_006059.4 (MANE Select); coding-DNA position 4673, A replaced by G.
Protein change: p.Gln1558Arg; replaces glutamine 1558 with arginine.
Molecular consequence: missense variant.
Genome position (GRCh38, 1-based): chr9:131,091,732, A>G. VCF-style: chr9-131091732-A-G. GRCh37 (hg19) VCF-style: chr9-133967119-A-G.
Other names: c.4673A>G (NM_006059.3); short protein forms Q1558R.
Identifiers: ClinVar variation 1360247 (VCV001360247.6), dbSNP rs139905505, ClinGen allele CA5288253.